The following is an entry in ClinVar:

ClinVar aggregate classification (germline): Uncertain significance (1 of 4 stars; one submission).

Submission:

GeneDx
Classification: Uncertain significance. Last evaluated: 2023-11-29. Review status: criteria provided, single submitter. Criteria: GeneDx Variant Classification Process June 2021. Collection method: clinical testing. Allele origin: germline. Affected: yes.
Comment: Not observed at significant frequency in large population cohorts (gnomAD); In silico analysis supports that this missense variant has a deleterious effect on protein structure/function; Has not been previously published as pathogenic or benign to our knowledge

NM_001375524.1(TRRAP):c.4712G>C (p.Arg1571Pro)

Gene: TRRAP (transformation/transcription domain associated protein; plus strand). Cytogenetic location: 7q22.1.
Variant type: single nucleotide variant.
Coding change: c.4712G>C on transcript NM_001375524.1 (MANE Select); coding-DNA position 4712, G replaced by C.
Protein change: p.Arg1571Pro; replaces arginine 1571 with proline.
Molecular consequence: missense variant.
Genome position (GRCh38, 1-based): chr7:98,948,609, G>C. VCF-style: chr7-98948609-G-C. GRCh37 (hg19) VCF-style: chr7-98546232-G-C.
Other names: c.4691G>C, p.Arg1564Pro (NM_001244580.2); c.4637G>C, p.Arg1546Pro (NM_003496.4); short protein forms R1546P, R1564P, R1571P.
Identifiers: ClinVar variation 3364705 (VCV003364705.1).
Genomic context (GRCh38, chr7:98,948,609, plus strand): 5'-TCCCACATGTTTTGCAGGCGGGGAGTCCATTCCGAGAGCCCCTGATCAAGTTCCTGACTC[G>C]ACATCCCTCGCAGACAGTGGAGCTGTTCATGATGGAAGCCACACTGAACGATCCCCAGTG-3'
Protein context (NP_001362453.1, residues 1561-1581): FREPLIKFLT[Arg1571Pro]HPSQTVELFM